The following is an entry in ClinVar:

NM_022489.4(INF2):c.3257T>C (p.Leu1086Pro)

Gene: INF2 (inverted formin 2; plus strand). Cytogenetic location: 14q32.33.
Variant type: single nucleotide variant.
Coding change: c.3257T>C on transcript NM_022489.4 (MANE Select); coding-DNA position 3257, T replaced by C.
Protein change: p.Leu1086Pro; replaces leucine 1086 with proline.
Molecular consequence: missense variant.
Genome position (GRCh38, 1-based): chr14:104,714,419, T>C. VCF-style: chr14-104714419-T-C. GRCh37 (hg19) VCF-style: chr14-105180756-T-C.
Other names: c.3257T>C, p.Leu1086Pro (NM_001031714.4); short protein forms L1086P.
Identifiers: ClinVar variation 1041727 (VCV001041727.16), dbSNP rs368869709, ClinGen allele CA7373216.
Genomic context (GRCh38, chr14:104,714,419, plus strand): 5'-AGGGTGGTCCACGGCCCCTGGAGAGGCGTTCTTCCTGGTATGTGGATGCCAGCGATGTCC[T>C]AACCACTGAGGATCCCCAGTGCCCCCAGCCCTTGGAGGGGGCCTGGCCGGTGACTCTGGG-3'
Protein context (NP_071934.3, residues 1076-1096): SSWYVDASDV[Leu1086Pro]TTEDPQCPQP

ClinVar aggregate classification (germline): Conflicting classifications of pathogenicity. Review status: criteria provided, conflicting classifications (1 of 4 stars). 5 submissions from 5 submitters: Uncertain significance (4); Benign (1). Last evaluated 2025-11-22.

Conditions:
Focal segmental glomerulosclerosis 5 (FSGS5). Identifiers: Orphanet 656, MedGen C2750475, MONDO:0013191, OMIM 613237.
Charcot-Marie-Tooth disease dominant intermediate E. Also called: CHARCOT-MARIE-TOOTH NEUROPATHY WITH FOCAL SEGMENTAL GLOMERULONEPHRITIS. Identifiers: Orphanet 93114, MedGen C4302667, MONDO:0013758, OMIM 614455.
Inborn genetic diseases. Identifiers: MedGen C0950123, MeSH D030342.

Allele frequency attached by ClinVar (database versions not stated): ExAC 0.00001; ESP Exome Variant Server 0.00008.
gnomAD v4.1: 72 of 1,607,810 alleles (0.0045%); highest among the groups gnomAD compares: Non-Finnish European, 0.0059%; no homozygotes.

Submissions (5):

Labcorp Genetics (formerly Invitae), Labcorp
Classification: Benign for Charcot-Marie-Tooth disease dominant intermediate E; Focal segmental glomerulosclerosis 5. Last evaluated: 2025-11-22. Review status: criteria provided, single submitter. Criteria: Invitae Variant Classification Sherloc (09022015). Collection method: clinical testing. Allele origin: germline.

ARUP Laboratories, Molecular Genetics and Genomics, ARUP Laboratories
Classification: Uncertain significance. Last evaluated: 2024-05-30. Review status: criteria provided, single submitter. Criteria: ARUP Molecular Germline Variant Investigation Process 2024. Collection method: clinical testing. Allele origin: germline.
Comment: The INF2 c.3257T>C; p.Leu1086Pro variant (rs368869709), to our knowledge, is not reported in the medical literature but is reported in ClinVar (Variation ID: 1041727). This variant is found in the general population with an overall allele frequency of 0.002% (5/266,362 alleles) in the Genome Aggregation Database (v2.1.1), but is considered a low confidence variant in the database. Computational analyses are uncertain whether this variant is neutral or deleterious (REVEL: 0.359). Due to limited information, the clinical significance of this variant is uncertain at this time.

Ambry Genetics
Classification: Uncertain significance for Inborn genetic diseases. Last evaluated: 2024-03-28. Review status: criteria provided, single submitter. Criteria: Ambry Variant Classification Scheme 2023. Collection method: clinical testing. Allele origin: germline.

Fulgent Genetics
Classification: Uncertain significance for Focal segmental glomerulosclerosis 5; Charcot-Marie-Tooth disease dominant intermediate E. Last evaluated: 2024-02-07. Review status: criteria provided, single submitter. Criteria: ACMG Guidelines, 2015. Collection method: clinical testing. Allele origin: germline.

GeneDx
Classification: Uncertain significance. Last evaluated: 2021-03-29. Review status: criteria provided, single submitter. Criteria: GeneDx Variant Classification Process June 2021. Collection method: clinical testing. Allele origin: germline. Affected: yes.
Comment: In silico analysis supports that this missense variant has a deleterious effect on protein structure/function; Has not been previously published as pathogenic or benign to our knowledge